The following is an entry in ClinVar:

NM_001999.4(FBN2):c.878T>C (p.Ile293Thr)

Gene: FBN2 (fibrillin 2; minus strand). Cytogenetic location: 5q23.3.
Variant type: single nucleotide variant.
Coding change: c.878T>C on transcript NM_001999.4 (MANE Select); coding-DNA position 878, T replaced by C.
Protein change: p.Ile293Thr; replaces isoleucine 293 with threonine.
Molecular consequence: missense variant.
Genome position (GRCh38, 1-based): chr5:128,446,555, A>G on the plus strand (T>C on the coding strand, the complement: FBN2 is on the minus strand). VCF-style: chr5-128446555-A-G. GRCh37 (hg19) VCF-style: chr5-127782248-A-G.
Other names: short protein forms I293T.
Identifiers: ClinVar variation 2150972 (VCV002150972.4), dbSNP rs1239020767, ClinGen allele CA360752039.
Genomic context (GRCh38, chr5:128,446,555, plus strand): 5'-GTAGTTTCACTCTGTTTGTGACCAGCAGGGCATCTGCATTCAAAAGAGCCCACTGTATTG[A>G]TACAGTTTCCTCCTTGGCATATCCCTGGGATAGCCTGGCATTCATCAACATCTGCAAGAA-3'
Protein context (NP_001990.2, residues 283-303): IPGICQGGNC[Ile293Thr]NTVGSFECRC

ClinVar aggregate classification (germline): Uncertain significance (1 of 4 stars; one submission).

Conditions:
Congenital contractural arachnodactyly (CCA). Also called: Beals-Hecht syndrome; BEALS SYNDROME; Arthrogryposis, distal, type 9. Identifiers: Orphanet 115, MedGen C0220668, MONDO:0007363, OMIM 121050.

Allele frequency attached by ClinVar (database versions not stated): gnomAD exomes below 0.00001.
gnomAD v4.1: 1 of 1,613,942 alleles (0.000062%); highest among the groups gnomAD compares: Admixed American, 0.0017%; no homozygotes.

Submission:

Labcorp Genetics (formerly Invitae), Labcorp
Classification: Uncertain significance for Congenital contractural arachnodactyly. Last evaluated: 2021-12-23. Review status: criteria provided, single submitter. Criteria: Invitae Variant Classification Sherloc (09022015). Collection method: clinical testing. Allele origin: germline.
Comment: In summary, the available evidence is currently insufficient to determine the role of this variant in disease. Therefore, it has been classified as a Variant of Uncertain Significance. Advanced modeling of protein sequence and biophysical properties (such as structural, functional, and spatial information, amino acid conservation, physicochemical variation, residue mobility, and thermodynamic stability) performed at Invitae indicates that this missense variant is not expected to disrupt FBN2 protein function. This variant has not been reported in the literature in individuals affected with FBN2-related conditions. This variant is present in population databases (no rsID available, gnomAD 0.003%). This sequence change replaces isoleucine, which is neutral and non-polar, with threonine, which is neutral and polar, at codon 293 of the FBN2 protein (p.Ile293Thr).